The following is an entry in ClinVar:

NM_002693.3(POLG):c.1639G>A (p.Ala547Thr)

Gene: POLG (DNA polymerase gamma, catalytic subunit; minus strand). Cytogenetic location: 15q26.1.
Variant type: single nucleotide variant.
Coding change: c.1639G>A on transcript NM_002693.3 (MANE Select); coding-DNA position 1639, G replaced by A.
Protein change: p.Ala547Thr; replaces alanine 547 with threonine.
Molecular consequence: missense variant.
Genome position (GRCh38, 1-based): chr15:89,326,685, C>T on the plus strand (G>A on the coding strand, the complement: POLG is on the minus strand). VCF-style: chr15-89326685-C-T. GRCh37 (hg19) VCF-style: chr15-89869916-C-T.
Other names: p.Ala547Thr; c.1639G>A (NM_002693.2); c.1639G>A, p.Ala547Thr (NM_001126131.2); short protein forms A547T.
Identifiers: ClinVar variation 594499 (VCV000594499.13), dbSNP rs779353857, ClinGen allele CA7724738.
Genomic context (GRCh38, chr15:89,326,685, plus strand): 5'-GAAGGTGCTGGGGCCGCTTGGGCAGGAGCTCTGTGGTCCCCTTCAGCTTCTGCAAGCAGG[C>T]GCGGGCCATGACATCTTGTTGAAACTCCTCCTCCTCACTGCAGGGGCCGAGGTCTGTGAG-3'
Protein context (NP_002684.1, residues 537-557): EEFQQDVMAR[Ala547Thr]CLQKLKGTTE

ClinVar aggregate classification (germline): Uncertain significance. Review status: criteria provided, multiple submitters, no conflicts (2 of 4 stars). 3 submissions from 3 submitters: Uncertain significance (3). Last evaluated 2024-06-04.

Conditions:
Progressive sclerosing poliodystrophy (MTDPS4A). Also called: Mitochondrial DNA depletion syndrome 4A (Alpers type); Mitochondrial DNA Depletion Syndrome 4A; Alpers Syndrome; ALPERS DIFFUSE DEGENERATION OF CEREBRAL GRAY MATTER WITH HEPATIC CIRRHOSIS; Alpers-Huttenlocher Syndrome; ALPERS PROGRESSIVE INFANTILE POLIODYSTROPHY. Identifiers: Orphanet 726, MedGen C0205710, MONDO:0008758, OMIM 203700.

Allele frequency attached by ClinVar (database versions not stated): gnomAD 0.00001; TOPMed 0.00002.

Submissions (3):

Labcorp Genetics (formerly Invitae), Labcorp
Classification: Uncertain significance for Progressive sclerosing poliodystrophy. Last evaluated: 2024-06-04. Review status: criteria provided, single submitter. Criteria: Invitae Variant Classification Sherloc (09022015). Collection method: clinical testing. Allele origin: germline.
Comment: This sequence change replaces alanine, which is neutral and non-polar, with threonine, which is neutral and polar, at codon 547 of the POLG protein (p.Ala547Thr). This variant is present in population databases (rs779353857, gnomAD 0.003%). This variant has not been reported in the literature in individuals affected with POLG-related conditions. ClinVar contains an entry for this variant (Variation ID: 594499). Advanced modeling of protein sequence and biophysical properties (such as structural, functional, and spatial information, amino acid conservation, physicochemical variation, residue mobility, and thermodynamic stability) performed at Invitae indicates that this missense variant is not expected to disrupt POLG protein function with a negative predictive value of 95%. In summary, the available evidence is currently insufficient to determine the role of this variant in disease. Therefore, it has been classified as a Variant of Uncertain Significance.

Mayo Clinic Laboratories, Mayo Clinic
Classification: Uncertain significance. Last evaluated: 2023-03-22. Review status: criteria provided, single submitter. Criteria: ACMG Guidelines, 2015. Collection method: clinical testing. Allele origin: germline. Observed: 1 variant allele.
Comment: BP4, PM2

Eurofins Ntd Llc (ga)
Classification: Uncertain significance. Last evaluated: 2017-10-11. Review status: criteria provided, single submitter. Criteria: EGL Classification Definitions 2015. Collection method: clinical testing. Allele origin: germline. Observed: 1 variant allele, 1 heterozygote.